The following is an entry in ClinVar:

ClinVar aggregate classification (germline): Uncertain significance (1 of 4 stars; one submission).

Allele frequency attached by ClinVar (database versions not stated): TOPMed below 0.00001; gnomAD 0.00001; gnomAD exomes 0.00001.
gnomAD v4.1: 18 of 1,613,598 alleles (0.0011%); highest among the groups gnomAD compares: African/African-American, 0.0027%; no homozygotes.

Submission:

Labcorp Genetics (formerly Invitae), Labcorp
Classification: Uncertain significance. Last evaluated: 2023-09-08. Review status: criteria provided, single submitter. Criteria: Invitae Variant Classification Sherloc (09022015). Collection method: clinical testing. Allele origin: germline.
Comment: ClinVar contains an entry for this variant (Variation ID: 2001815). In summary, the available evidence is currently insufficient to determine the role of this variant in disease. Therefore, it has been classified as a Variant of Uncertain Significance. Algorithms developed to predict the effect of sequence changes on RNA splicing suggest that this variant may create or strengthen a splice site. This variant has not been reported in the literature in individuals affected with PDE6G-related conditions. This variant is present in population databases (no rsID available, gnomAD 0.004%). This sequence change falls in intron 2 of the PDE6G gene. It does not directly change the encoded amino acid sequence of the PDE6G protein.

NM_002602.4(PDE6G):c.147-20T>C

Gene: PDE6G (phosphodiesterase 6G; minus strand). Cytogenetic location: 17q25.3.
Variant type: single nucleotide variant.
Coding change: c.147-20T>C on transcript NM_002602.4 (MANE Select); 20 bases into the intron before coding-DNA position 147, T replaced by C.
Molecular consequence: intron variant.
Genome position (GRCh38, 1-based): chr17:81,651,705, A>G on the plus strand (T>C on the coding strand, the complement: PDE6G is on the minus strand). VCF-style: chr17-81651705-A-G. GRCh37 (hg19) VCF-style: chr17-79618735-A-G.
Other names: c.147-20T>C (NM_001365724.1, NM_001365725.1).
Identifiers: ClinVar variation 2001815 (VCV002001815.4), dbSNP rs1480475527, ClinGen allele CA627779590.